The following is an entry in ClinVar:

NM_001278293.3(ARL6):c.365G>C (p.Arg122Pro)

Gene: ARL6 (ARF like GTPase 6; plus strand). Cytogenetic location: 3q11.2.
Variant type: single nucleotide variant.
Coding change: c.365G>C on transcript NM_001278293.3 (MANE Select); coding-DNA position 365, G replaced by C.
Protein change: p.Arg122Pro; replaces arginine 122 with proline.
Molecular consequence: missense variant. On other transcripts: non-coding transcript variant (7).
Genome position (GRCh38, 1-based): chr3:97,788,005, G>C. VCF-style: chr3-97788005-G-C. GRCh37 (hg19) VCF-style: chr3-97506849-G-C.
Other names: c.365G>C, p.Arg122Pro (NM_001323513.2, NM_001323514.2, NM_032146.5 and 1 more transcripts); short protein forms R122P.
Identifiers: ClinVar variation 902555 (VCV000902555.5), dbSNP rs142258123, ClinGen allele CA79493965.
Genomic context (GRCh38, chr3:97,788,005, plus strand): 5'-CCTAAAAAGCTGGAAGTGTGATGATAATCTTATTTTCTCTTTTAGATATTAAACACCGTC[G>C]AATTCCAATCTTATTCTTTGCAAATAAAATGGATCTTAGAGATGCAGTGACATCTGTAAA-3'
Protein context (NP_001265222.1, residues 112-132): LLNHPDIKHR[Arg122Pro]IPILFFANKM

ClinVar aggregate classification (germline): Uncertain significance. Review status: criteria provided, single submitter (1 of 4 stars). 3 submissions from 2 submitters: Uncertain significance (2). 1 of the submissions does not count toward it. Last evaluated 2018-01-12.

Conditions:
Retinitis pigmentosa (RP). Identifiers: Orphanet 791, MedGen C0035334, MeSH D012174, MONDO:0019200, OMIM 268000. Inheritance: Autosomal dominant, autosomal recessive and X linked inheritance.
ARL6-related disorder. Also called: ARL6-related condition.
Bardet-Biedl syndrome 3 (BBS3). Identifiers: Orphanet 110, MedGen C1859564, MONDO:0010832, OMIM 600151.

Allele frequency attached by ClinVar (database versions not stated): ESP Exome Variant Server 0.00008.

Submissions (3):

Illumina Laboratory Services, Illumina
Classification: Uncertain significance for Bardet-Biedl syndrome 3. Last evaluated: 2018-01-12. Review status: criteria provided, single submitter. Criteria: ICSL Variant Classification Criteria 13 December 2019. Collection method: clinical testing. Allele origin: germline.

Illumina Laboratory Services, Illumina
Classification: Uncertain significance for Retinitis pigmentosa. Last evaluated: 2018-01-12. Review status: criteria provided, single submitter. Criteria: ICSL Variant Classification Criteria 13 December 2019. Collection method: clinical testing. Allele origin: germline.

PreventionGenetics, part of Exact Sciences
Classification: Uncertain significance for ARL6-related condition. Last evaluated: 2024-06-12. Review status: no assertion criteria provided. Collection method: clinical testing. Allele origin: germline. Not counted in ClinVar's aggregate classification.
Comment: The ARL6 c.365G>C variant is predicted to result in the amino acid substitution p.Arg122Pro. To our knowledge, this variant has not been reported in the literature. This variant is reported in 0.00088% of alleles in individuals of European (Non-Finnish) descent in gnomAD. At this time, the clinical significance of this variant is uncertain due to the absence of conclusive functional and genetic evidence.